The following is an entry in ClinVar:

NM_003579.4(RAD54L):c.94C>T (p.Pro32Ser)

Gene: RAD54L (RAD54 like; plus strand). Cytogenetic location: 1p34.1.
Variant type: single nucleotide variant.
Coding change: c.94C>T on transcript NM_003579.4 (MANE Select); coding-DNA position 94, C replaced by T.
Protein change: p.Pro32Ser; replaces proline 32 with serine.
Molecular consequence: missense variant. On other transcripts: 5 prime UTR variant (1).
Genome position (GRCh38, 1-based): chr1:46,250,003, C>T. VCF-style: chr1-46250003-C-T. GRCh37 (hg19) VCF-style: chr1-46715675-C-T.
Other names: c.94C>T, p.Pro32Ser (NM_001142548.2); c.-447C>T (NM_001370766.1); short protein forms P32S.
Identifiers: ClinVar variation 1767164 (VCV001767164.3), dbSNP rs776452553, ClinGen allele CA834143.

ClinVar aggregate classification (germline): Uncertain significance (1 of 4 stars; one submission).

Allele frequency attached by ClinVar (database versions not stated): gnomAD exomes below 0.00001; TOPMed below 0.00001; ExAC 0.00001.
gnomAD v4.1: 1 of 1,613,900 alleles (0.000062%); highest among the groups gnomAD compares: East Asian, 0.0022%; no homozygotes.

Submission:

Ambry Genetics
Classification: Uncertain significance. Last evaluated: 2024-11-01. Review status: criteria provided, single submitter. Criteria: Ambry Variant Classification Scheme 2023. Collection method: clinical testing. Allele origin: germline.
Comment: The p.P32S variant (also known as c.94C>T), located in coding exon 3 of the RAD54L gene, results from a C to T substitution at nucleotide position 94. The proline at codon 32 is replaced by serine, an amino acid with similar properties. This amino acid position is conserved. In addition, this alteration is predicted to be tolerated by in silico analysis. Since supporting evidence is limited at this time, the clinical significance of this alteration remains unclear.